The following is an entry in ClinVar:

ClinVar aggregate classification (germline): Uncertain significance. Review status: criteria provided, multiple submitters, no conflicts (2 of 4 stars). 3 submissions from 3 submitters: Uncertain significance (3). Last evaluated 2026-03-16.

Allele frequency attached by ClinVar (database versions not stated): gnomAD 0.00041 and 0.00042; ESP Exome Variant Server 0.00054; 1000 Genomes Project 30x 0.00016; ExAC 0.00086; 1000 Genomes Project 0.00020; TOPMed 0.00041.
gnomAD v4.1: 1,289 of 1,567,894 alleles (0.082%); highest among the groups gnomAD compares: Non-Finnish European, 0.11%; no homozygotes.

Submissions (3):

GeneDx
Classification: Uncertain significance. Last evaluated: 2026-03-16. Review status: criteria provided, single submitter. Criteria: GeneDx Variant Classification Process June 2021. Collection method: clinical testing. Allele origin: germline.
Comment: Reported in a cohort of patients with inflammatory bowel disease; however, clinical details were not provided (PMID: 30124884); In silico analysis supports that this missense variant has a deleterious effect on protein structure/function; This variant is associated with the following publications: (PMID: 30124884)

Labcorp Genetics (formerly Invitae), Labcorp
Classification: Uncertain significance. Last evaluated: 2026-01-27. Review status: criteria provided, single submitter. Criteria: Invitae Variant Classification Sherloc (09022015). Collection method: clinical testing. Allele origin: germline.
Comment: This sequence change replaces glycine, which is neutral and non-polar, with valine, which is neutral and non-polar, at codon 647 of the CSF2RB protein (p.Gly647Val). This variant is present in population databases (rs1801115, gnomAD 0.07%), and has an allele count higher than expected for a pathogenic variant. This variant has not been reported in the literature in individuals affected with CSF2RB-related conditions. ClinVar contains an entry for this variant (Variation ID: 1375794). Invitae Evidence Modeling of protein sequence and biophysical properties (such as structural, functional, and spatial information, amino acid conservation, physicochemical variation, residue mobility, and thermodynamic stability) has been performed for this missense variant. However, the output from this modeling did not meet the statistical confidence thresholds required to predict the impact of this variant on CSF2RB protein function. In summary, the available evidence is currently insufficient to determine the role of this variant in disease. Therefore, it has been classified as a Variant of Uncertain Significance.

Breakthrough Genomics
Classification: Uncertain significance. Review status: criteria provided, single submitter. Criteria: ACMG Guidelines, 2015. Collection method: not provided. Allele origin: germline. Inheritance: Autosomal dominant inheritance. Affected: yes.

NM_000395.3(CSF2RB):c.1940G>T (p.Gly647Val)

Gene: CSF2RB (colony stimulating factor 2 receptor subunit beta; plus strand). Cytogenetic location: 22q12.3.
Variant type: single nucleotide variant.
Coding change: c.1940G>T on transcript NM_000395.3 (MANE Select); coding-DNA position 1940, G replaced by T.
Protein change: p.Gly647Val; replaces glycine 647 with valine.
Molecular consequence: missense variant.
Genome position (GRCh38, 1-based): chr22:36,937,748, G>T. VCF-style: chr22-36937748-G-T. GRCh37 (hg19) VCF-style: chr22-37333790-G-T.
Other names: c.1940G>T (NM_000395.2); short protein forms G647V.
Identifiers: ClinVar variation 1375794 (VCV001375794.8), dbSNP rs1801115, ClinGen allele CA10214006.
Genomic context (GRCh38, chr22:36,937,748, plus strand): 5'-AGTACCTGTGTCTGCCTGCTGGGGGGCAGGTGCAACTGGTCCCTCTGGCCCAGGCGATGG[G>T]ACCAGGACAGGCCGTGGAAGTGGAGAGAAGGCCGAGCCAGGGGGCTGCAGGGAGTCCCTC-3'
Protein context (NP_000386.1, residues 637-657): VQLVPLAQAM[Gly647Val]PGQAVEVERR